The following is an entry in ClinVar:

ClinVar aggregate classification (germline): Likely benign. Review status: criteria provided, multiple submitters, no conflicts (2 of 4 stars). 4 submissions from 4 submitters: Likely benign (4). Last evaluated 2025-03-05.

Conditions:
Hereditary cancer-predisposing syndrome. Also called: Hereditary neoplastic syndrome; Tumor predisposition; Neoplastic Syndromes, Hereditary; Hereditary Cancer Syndrome. Identifiers: Orphanet 140162, MedGen C0027672, MeSH D009386, MONDO:0015356.
Multiple endocrine neoplasia type 4. Also called: MULTIPLE ENDOCRINE NEOPLASIA, TYPE IV. Identifiers: Orphanet 276152, MedGen C1970712, MONDO:0012552, OMIM 610755.

Allele frequency attached by ClinVar (database versions not stated): TOPMed 0.00001; 1000 Genomes Project 30x 0.00016; 1000 Genomes Project 0.00020.
gnomAD v4.1: 7 of 1,614,274 alleles (0.00043%); highest among the groups gnomAD compares: East Asian, 0.0045%; no homozygotes.

Submissions (4):

Mayo Clinic Laboratories, Mayo Clinic
Classification: Likely benign. Last evaluated: 2025-03-05. Review status: criteria provided, single submitter. Criteria: ACMG Guidelines, 2015. Collection method: clinical testing. Allele origin: germline. Observed: 1 variant allele.
Comment: BP4, BP7

Labcorp Genetics (formerly Invitae), Labcorp
Classification: Likely benign for Multiple endocrine neoplasia type 4. Last evaluated: 2024-08-13. Review status: criteria provided, single submitter. Criteria: Invitae Variant Classification Sherloc (09022015). Collection method: clinical testing. Allele origin: germline.

CeGaT Center for Human Genetics Tuebingen
Classification: Likely benign. Last evaluated: 2019-05-01. Review status: criteria provided, single submitter. Criteria: CeGaT Center For Human Genetics Tuebingen Variant Classification Criteria Version 2. Collection method: clinical testing. Allele origin: germline. Affected: yes. Observed: 2 variant alleles.

Ambry Genetics
Classification: Likely benign for Hereditary cancer-predisposing syndrome. Last evaluated: 2018-05-29. Review status: criteria provided, single submitter. Criteria: Ambry Variant Classification Scheme 2023. Collection method: clinical testing. Allele origin: germline.

NM_004064.5(CDKN1B):c.219G>A (p.Lys73=)

Gene: CDKN1B (cyclin dependent kinase inhibitor 1B; plus strand). Cytogenetic location: 12p13.1.
Variant type: single nucleotide variant.
Coding change: c.219G>A on transcript NM_004064.5 (MANE Select); coding-DNA position 219, G replaced by A.
Protein change: p.Lys73=; no amino-acid change (lysine 73 retained).
Molecular consequence: synonymous variant.
Genome position (GRCh38, 1-based): chr12:12,718,058, G>A. VCF-style: chr12-12718058-G-A. GRCh37 (hg19) VCF-style: chr12-12870992-G-A.
Other names: p.Lys73=.
Identifiers: ClinVar variation 469007 (VCV000469007.56), dbSNP rs573353679, ClinGen allele CA6457416.
Genomic context (GRCh38, chr12:12,718,058, plus strand): 5'-AGAGGCGAGCCAGCGCAAGTGGAATTTCGATTTTCAGAATCACAAACCCCTAGAGGGCAA[G>A]TACGAGTGGCAAGAGGTGGAGAAGGGCAGCTTGCCCGAGTTCTACTACAGACCCCCGCGG-3'
Protein context (NP_004055.1, residues 63-83): DFQNHKPLEG[Lys73=]YEWQEVEKGS